The following is an entry in ClinVar:

NM_000334.4(SCN4A):c.5339A>T (p.Tyr1780Phe)

Genes: GH-LCR (growth hormone locus control region; plus strand), SCN4A (sodium voltage-gated channel alpha subunit 4; minus strand). Cytogenetic location: 17q23.3.
Variant type: single nucleotide variant.
Coding change: c.5339A>T on transcript NM_000334.4 (MANE Select); coding-DNA position 5339, A replaced by T.
Protein change: p.Tyr1780Phe; replaces tyrosine 1780 with phenylalanine.
Molecular consequence: missense variant.
Genome position (GRCh38, 1-based): chr17:63,940,943, T>A on the plus strand (A>T on the coding strand, the complement: SCN4A is on the minus strand). VCF-style: chr17-63940943-T-A. GRCh37 (hg19) VCF-style: chr17-62018303-T-A.
Other names: short protein forms Y1780F.
Identifiers: ClinVar variation 4747016 (VCV004747016.1).

ClinVar aggregate classification (germline): Uncertain significance (1 of 4 stars; one submission).

Conditions:
Hyperkalemic periodic paralysis. Also called: Familial hyperkalemic periodic paralysis; Gamstorp disease. Identifiers: Orphanet 682, MedGen C0238357, MONDO:0008224, OMIM 170500, HP:0007215.

Submission:

Labcorp Genetics (formerly Invitae), Labcorp
Classification: Uncertain significance for Hyperkalemic periodic paralysis. Last evaluated: 2025-11-16. Review status: criteria provided, single submitter. Criteria: Invitae Variant Classification Sherloc (09022015). Collection method: clinical testing. Allele origin: germline.
Comment: This sequence change replaces tyrosine, which is neutral and polar, with phenylalanine, which is neutral and non-polar, at codon 1780 of the SCN4A protein (p.Tyr1780Phe). This variant is not present in population databases (gnomAD no frequency). This variant has not been reported in the literature in individuals affected with SCN4A-related conditions. Invitae Evidence Modeling of protein sequence and biophysical properties (such as structural, functional, and spatial information, amino acid conservation, physicochemical variation, residue mobility, and thermodynamic stability) indicates that this missense variant is not expected to disrupt SCN4A protein function with a negative predictive value of 95%. In summary, the available evidence is currently insufficient to determine the role of this variant in disease. Therefore, it has been classified as a Variant of Uncertain Significance.